The following is an entry in ClinVar:

ClinVar aggregate classification (germline): Likely benign (0 of 4 stars; one submission).

Conditions:
ISL1-related disorder. Also called: ISL1-related condition.

gnomAD v4.1: 3 of 1,614,092 alleles (0.00019%); highest among the groups gnomAD compares: East Asian, 0.0022%; no homozygotes.

Submission:

PreventionGenetics, part of Exact Sciences
Classification: Likely benign for ISL1-related condition. Last evaluated: 2024-05-16. Review status: no assertion criteria provided. Collection method: clinical testing. Allele origin: germline.
Comment: This variant is classified as likely benign based on ACMG/AMP sequence variant interpretation guidelines (Richards et al. 2015 PMID: 25741868, with internal and published modifications).

NM_002202.3(ISL1):c.138G>A (p.Ala46=)

Gene: ISL1 (ISL LIM homeobox 1; plus strand). Cytogenetic location: 5q11.1.
Variant type: single nucleotide variant.
Coding change: c.138G>A on transcript NM_002202.3 (MANE Select); coding-DNA position 138, G replaced by A.
Protein change: p.Ala46=; no amino-acid change (alanine 46 retained).
Molecular consequence: synonymous variant.
Genome position (GRCh38, 1-based): chr5:51,384,650, G>A. VCF-style: chr5-51384650-G-A. GRCh37 (hg19) VCF-style: chr5-50680484-G-A.
Identifiers: ClinVar variation 3358484 (VCV003358484.1).